The following is an entry in ClinVar:

ClinVar aggregate classification (germline): Uncertain significance. Review status: criteria provided, multiple submitters, no conflicts (2 of 4 stars). 2 submissions from 2 submitters: Uncertain significance (2). Last evaluated 2025-07-21.

Conditions:
Osteogenesis imperfecta type I (OI1). Also called: Classic Non-deforming Osteogenesis Imperfecta with Blue Sclerae; OI, TYPE I; OSTEOGENESIS IMPERFECTA TARDA; OSTEOGENESIS IMPERFECTA WITH BLUE SCLERAE; Osteogenesis imperfecta type 1; Lobstein's Disease. Identifiers: Orphanet 216796, Orphanet 666, MedGen C0023931, MONDO:0008146, OMIM 166200. Disease mechanism: loss of function.
Cardiovascular phenotype. Identifiers: MedGen CN230736.

gnomAD v4.1: 5 of 1,613,816 alleles (0.00031%); highest among the groups gnomAD compares: African/African-American, 0.0013%; no homozygotes.

Submissions (2):

Labcorp Genetics (formerly Invitae), Labcorp
Classification: Uncertain significance for Osteogenesis imperfecta type I. Last evaluated: 2025-07-21. Review status: criteria provided, single submitter. Criteria: Invitae Variant Classification Sherloc (09022015). Collection method: clinical testing. Allele origin: germline.
Comment: This sequence change replaces aspartic acid, which is acidic and polar, with glutamic acid, which is acidic and polar, at codon 550 of the COL1A1 protein (p.Asp550Glu). This variant is not present in population databases (gnomAD no frequency). This variant has not been reported in the literature in individuals affected with COL1A1-related conditions. ClinVar contains an entry for this variant (Variation ID: 3495203). Invitae Evidence Modeling of protein sequence and biophysical properties (such as structural, functional, and spatial information, amino acid conservation, physicochemical variation, residue mobility, and thermodynamic stability) indicates that this missense variant is not expected to disrupt COL1A1 protein function with a negative predictive value of 95%. In summary, the available evidence is currently insufficient to determine the role of this variant in disease. Therefore, it has been classified as a Variant of Uncertain Significance.

Ambry Genetics
Classification: Uncertain significance for Cardiovascular phenotype. Last evaluated: 2024-07-09. Review status: criteria provided, single submitter. Criteria: Ambry Variant Classification Scheme 2023. Collection method: clinical testing. Allele origin: germline.
Comment: The p.D550E variant (also known as c.1650T>G), located in coding exon 24 of the COL1A1 gene, results from a T to G substitution at nucleotide position 1650. The aspartic acid at codon 550 is replaced by glutamic acid, an amino acid with highly similar properties. This amino acid position is well conserved in available vertebrate species. In addition, this alteration is predicted to be tolerated by in silico analysis. Based on the available evidence, the clinical significance of this variant remains unclear.

NM_000088.4(COL1A1):c.1650T>G (p.Asp550Glu)

Gene: COL1A1 (collagen type I alpha 1 chain; minus strand). Cytogenetic location: 17q21.33.
Variant type: single nucleotide variant.
Coding change: c.1650T>G on transcript NM_000088.4 (MANE Select); coding-DNA position 1650, T replaced by G.
Protein change: p.Asp550Glu; replaces aspartic acid 550 with glutamic acid.
Molecular consequence: missense variant.
Genome position (GRCh38, 1-based): chr17:50,194,148, A>C on the plus strand (T>G on the coding strand, the complement: COL1A1 is on the minus strand). VCF-style: chr17-50194148-A-C. GRCh37 (hg19) VCF-style: chr17-48271509-A-C.
Other names: short protein forms D550E.
Identifiers: ClinVar variation 3495203 (VCV003495203.2).